The following is an entry in ClinVar:

ClinVar aggregate classification (germline): Uncertain significance (1 of 4 stars; one submission).

Conditions:
Neurofibromatosis, type 1 (NF1). Also called: Peripheral type neurofibromatosis; Neurofibromatosis, type I; VON RECKLINGHAUSEN DISEASE; NEUROFIBROMATOSIS, TYPE I, SOMATIC. Identifiers: Orphanet 636, MedGen C0027831, MONDO:0018975, OMIM 162200. Disease mechanism: loss of function.

Submission:

Labcorp Genetics (formerly Invitae), Labcorp
Classification: Uncertain significance for Neurofibromatosis, type 1. Last evaluated: 2025-01-02. Review status: criteria provided, single submitter. Criteria: Invitae Variant Classification Sherloc (09022015). Collection method: clinical testing. Allele origin: germline.
Comment: This sequence change replaces glutamic acid, which is acidic and polar, with lysine, which is basic and polar, at codon 977 of the NF1 protein (p.Glu977Lys). This variant is not present in population databases (gnomAD no frequency). This variant has not been reported in the literature in individuals affected with NF1-related conditions. Invitae Evidence Modeling of protein sequence and biophysical properties (such as structural, functional, and spatial information, amino acid conservation, physicochemical variation, residue mobility, and thermodynamic stability) has been performed for this missense variant. However, the output from this modeling did not meet the statistical confidence thresholds required to predict the impact of this variant on NF1 protein function. In summary, the available evidence is currently insufficient to determine the role of this variant in disease. Therefore, it has been classified as a Variant of Uncertain Significance.

NM_001042492.3(NF1):c.2929G>A (p.Glu977Lys)

Gene: NF1 (neurofibromin 1; plus strand). Cytogenetic location: 17q11.2.
Variant type: single nucleotide variant.
Coding change: c.2929G>A on transcript NM_001042492.3 (MANE Select); coding-DNA position 2929, G replaced by A.
Protein change: p.Glu977Lys; replaces glutamic acid 977 with lysine.
Molecular consequence: missense variant.
Genome position (GRCh38, 1-based): chr17:31,229,913, G>A. VCF-style: chr17-31229913-G-A. GRCh37 (hg19) VCF-style: chr17-29556931-G-A.
Other names: c.2929G>A, p.Glu977Lys (NM_000267.4); short protein forms E977K.
Identifiers: ClinVar variation 3696597 (VCV003696597.2).
Genomic context (GRCh38, chr17:31,229,913, plus strand): 5'-AATACTCAATTTGTAGAACAAACCATAGCTATAATGAAGAACTTGCTAGATAATCATACT[G>A]AAGGCAGCTCTGAACATCTAGGGCAAGCTAGCATTGAAACAATGATGTTAAATCTGGTCA-3'
Protein context (NP_001035957.1, residues 967-987): IMKNLLDNHT[Glu977Lys]GSSEHLGQAS